The following is an entry in ClinVar:

NM_002292.4(LAMB2):c.4967C>A (p.Ala1656Glu)

Gene: LAMB2 (laminin subunit beta 2; minus strand). Cytogenetic location: 3p21.31.
Variant type: single nucleotide variant.
Coding change: c.4967C>A on transcript NM_002292.4 (MANE Select); coding-DNA position 4967, C replaced by A.
Protein change: p.Ala1656Glu; replaces alanine 1656 with glutamic acid.
Molecular consequence: missense variant.
Genome position (GRCh38, 1-based): chr3:49,121,817, G>T on the plus strand (C>A on the coding strand, the complement: LAMB2 is on the minus strand). VCF-style: chr3-49121817-G-T. GRCh37 (hg19) VCF-style: chr3-49159250-G-T.
Other names: short protein forms A1656E.
Identifiers: ClinVar variation 1472033 (VCV001472033.9), dbSNP rs2045271641, ClinGen allele CA352685644.
Genomic context (GRCh38, chr3:49,121,817, plus strand): 5'-CCTGCCCGTTTCAATTTCAGAGCCTCCAGGAGAGCATCCAACTGCCGAGCCCTTTCACCT[G>T]CAGAGCTCAGTGCCCGCTCTGCACCTGCCATCCTCTCCTGTACCTGCCATGGGTGAGCCA-3'
Protein context (NP_002283.3, residues 1646-1666): MAGAERALSS[Ala1656Glu]GERARQLDAL

ClinVar aggregate classification (germline): Uncertain significance. Review status: criteria provided, multiple submitters, no conflicts (2 of 4 stars). 2 submissions from 2 submitters: Uncertain significance (2). Last evaluated 2021-06-05.

Conditions:
LAMB2-related infantile-onset nephrotic syndrome. Also called: NEPHROTIC SYNDROME, TYPE 5, WITHOUT OCULAR ABNORMALITIES; NEPHROTIC SYNDROME, TYPE 5, WITH OCULAR ABNORMALITIES; Nephrotic Syndrome, type 5. Identifiers: Orphanet 306507, MedGen C3280113, MONDO:0013621, OMIM 614199.
Pierson syndrome. Also called: MICROCORIA-CONGENITAL NEPHROTIC SYNDROME. Identifiers: Orphanet 2670, MedGen C1836876, MONDO:0012184, OMIM 609049.

Allele frequency attached by ClinVar (database versions not stated): TOPMed below 0.00001.
gnomAD v4.1: 1 of 1,612,934 alleles (0.000062%); highest among the groups gnomAD compares: Non-Finnish European, 0.000085%; no homozygotes.

Submissions (2):

Labcorp Genetics (formerly Invitae), Labcorp
Classification: Uncertain significance for LAMB2-related infantile-onset nephrotic syndrome; Pierson syndrome. Last evaluated: 2021-06-05. Review status: criteria provided, single submitter. Criteria: Invitae Variant Classification Sherloc (09022015). Collection method: clinical testing. Allele origin: germline.
Comment: This sequence change replaces alanine with glutamic acid at codon 1656 of the LAMB2 protein (p.Ala1656Glu). The alanine residue is highly conserved and there is a moderate physicochemical difference between alanine and glutamic acid. This variant is not present in population databases (ExAC no frequency). This variant has not been reported in the literature in individuals with LAMB2-related conditions. Algorithms developed to predict the effect of missense changes on protein structure and function (SIFT, PolyPhen-2, Align-GVGD) all suggest that this variant is likely to be disruptive, but these predictions have not been confirmed by published functional studies and their clinical significance is uncertain. In summary, the available evidence is currently insufficient to determine the role of this variant in disease. Therefore, it has been classified as a Variant of Uncertain Significance.

Blueprint Genetics
Classification: Uncertain significance. Last evaluated: 2020-12-30. Review status: criteria provided, single submitter. Criteria: ACMG Guidelines, 2015. Collection method: clinical testing. Allele origin: germline.